The following is an entry in ClinVar:

ClinVar aggregate classification (germline): Uncertain significance. Review status: criteria provided, multiple submitters, no conflicts (2 of 4 stars). 2 submissions from 2 submitters: Uncertain significance (2). Last evaluated 2026-02-10.

Conditions:
Acute myeloid leukemia (AML). Also called: Acute myeloid leukemia, adult; AML adult; Acute non-lymphocytic leukemia; Acute granulocytic leukemia; Leukemia, acute myeloid, somatic; Leukemia, acute myelogenous, somatic. Identifiers: Orphanet 519, MedGen C0023467, MeSH D015470, MONDO:0018874, OMIM 601626, HP:0004808. Disease mechanism: Constitutively activated FLT3.
Inborn genetic diseases. Identifiers: MedGen C0950123, MeSH D030342.

Submissions (2):

Ambry Genetics
Classification: Uncertain significance for Inborn genetic diseases. Last evaluated: 2026-02-10. Review status: criteria provided, single submitter. Criteria: Ambry Variant Classification Scheme 2023. Collection method: clinical testing. Allele origin: germline.
Comment: The p.R165G variant (also known as c.493C>G), located in coding exon 1 of the CEBPA gene, results from a C to G substitution at nucleotide position 493. The arginine at codon 165 is replaced by glycine, an amino acid with dissimilar properties. This amino acid position is well conserved in available vertebrate species. In addition, this alteration is predicted to be tolerated by in silico analysis. Based on the available evidence, the clinical significance of this variant remains unclear.

Baylor Genetics
Classification: Uncertain significance for Acute myeloid leukemia. Last evaluated: 2024-03-08. Review status: criteria provided, single submitter. Criteria: ACMG Guidelines, 2015. Collection method: clinical testing. Allele origin: unknown.

NM_004364.5(CEBPA):c.493C>G (p.Arg165Gly)

Gene: CEBPA (CCAAT enhancer binding protein alpha; minus strand). Cytogenetic location: 19q13.11.
Variant type: single nucleotide variant.
Coding change: c.493C>G on transcript NM_004364.5 (MANE Select); coding-DNA position 493, C replaced by G.
Protein change: p.Arg165Gly; replaces arginine 165 with glycine.
Molecular consequence: missense variant.
Genome position (GRCh38, 1-based): chr19:33,301,922, G>C on the plus strand (C>G on the coding strand, the complement: CEBPA is on the minus strand). VCF-style: chr19-33301922-G-C. GRCh37 (hg19) VCF-style: chr19-33792828-G-C.
Other names: c.136C>G, p.Arg46Gly (NM_001285829.2); c.598C>G, p.Arg200Gly (NM_001287424.2); c.451C>G, p.Arg151Gly (NM_001287435.2); short protein forms R151G, R165G, R200G, R46G.
Identifiers: ClinVar variation 3241077 (VCV003241077.2), dbSNP rs1967182334.